The following is an entry in ClinVar:

ClinVar aggregate classification (germline): Uncertain significance (1 of 4 stars; one submission).

Submission:

GeneDx
Classification: Uncertain significance. Last evaluated: 2024-08-25. Review status: criteria provided, single submitter. Criteria: GeneDx Variant Classification Process June 2021. Collection method: clinical testing. Allele origin: germline. Affected: yes.
Comment: Not observed at significant frequency in large population cohorts (gnomAD); In silico analysis indicates that this missense variant does not alter protein structure/function; Has not been previously published as pathogenic or benign to our knowledge

NM_021072.4(HCN1):c.670G>A (p.Val224Ile)

Gene: HCN1 (hyperpolarization activated cyclic nucleotide gated potassium channel 1; minus strand). Cytogenetic location: 5p12.
Variant type: single nucleotide variant.
Coding change: c.670G>A on transcript NM_021072.4 (MANE Select); coding-DNA position 670, G replaced by A.
Protein change: p.Val224Ile; replaces valine 224 with isoleucine.
Molecular consequence: missense variant.
Genome position (GRCh38, 1-based): chr5:45,645,364, C>T on the plus strand (G>A on the coding strand, the complement: HCN1 is on the minus strand). VCF-style: chr5-45645364-C-T. GRCh37 (hg19) VCF-style: chr5-45645466-C-T.
Other names: short protein forms V224I.
Identifiers: ClinVar variation 3766250 (VCV003766250.1).